The following is an entry in ClinVar:

ClinVar aggregate classification (germline): Conflicting classifications of pathogenicity. Review status: criteria provided, conflicting classifications (1 of 4 stars). 2 submissions from 2 submitters: Pathogenic (1); Uncertain significance (1). Last evaluated 2023-08-27.

Conditions:
Neurofibromatosis, type 1 (NF1). Also called: Peripheral type neurofibromatosis; Neurofibromatosis, type I; NEUROFIBROMATOSIS, TYPE I, SOMATIC; VON RECKLINGHAUSEN DISEASE. Identifiers: Orphanet 636, MedGen C0027831, MONDO:0018975, OMIM 162200. Disease mechanism: loss of function.

Submissions (2):

Labcorp Genetics (formerly Invitae), Labcorp
Classification: Uncertain significance for Neurofibromatosis, type 1. Last evaluated: 2023-08-27. Review status: criteria provided, single submitter. Criteria: Invitae Variant Classification Sherloc (09022015). Collection method: clinical testing. Allele origin: germline.
Comment: This variant is not present in population databases (gnomAD no frequency). This sequence change falls in intron 44 of the NF1 gene. It does not directly change the encoded amino acid sequence of the NF1 protein. This variant has been observed in individual(s) with clinical features of neurofibromatosis type 1 (PMID: 32126153). ClinVar contains an entry for this variant (Variation ID: 816737). Studies have shown that this variant is associated with altered splicing resulting in unknown protein product impact (PMID: 32126153). In summary, the available evidence is currently insufficient to determine the role of this variant in disease. Therefore, it has been classified as a Variant of Uncertain Significance.

UAB Medical Genomics Laboratory, UAB Medicine
Classification: Pathogenic for Neurofibromatosis, type 1. Last evaluated: 2020-01-20. Review status: criteria provided, single submitter. Criteria: ACMG Guidelines, 2015. Collection method: clinical testing. Allele origin: germline. Affected: yes.

Literature cited by the submitters: PubMed 32126153 (cited by Labcorp Genetics (formerly Invitae), Labcorp and UAB Medical Genomics Laboratory, UAB Medicine).

NM_001042492.3(NF1):c.6820-10T>G

Gene: NF1 (neurofibromin 1; plus strand). Cytogenetic location: 17q11.2.
Variant type: single nucleotide variant.
Coding change: c.6820-10T>G on transcript NM_001042492.3 (MANE Select); 10 bases into the intron before coding-DNA position 6820, T replaced by G.
Molecular consequence: intron variant.
Genome position (GRCh38, 1-based): chr17:31,338,694, T>G. VCF-style: chr17-31338694-T-G. GRCh37 (hg19) VCF-style: chr17-29665712-T-G.
Other names: c.6757-10T>G (NM_000267.4).
Identifiers: ClinVar variation 816737 (VCV000816737.9), dbSNP rs1597845883, ClinGen allele CA915949964.
Genomic context (GRCh38, chr17:31,338,694, plus strand): 5'-CGAGATTCAGTTTAGGAGTTAATGTTTTATTTCAATGAAAGTAAAATAAAAAATTCTGTT[T>G]TCCTAAAAGGCACTTGAGAGTTGCTTAAAAGGACCTGACACTTACAACAGTCAAGTTCTG-3'